The following is an entry in ClinVar:

ClinVar aggregate classification (germline): Likely pathogenic (1 of 4 stars; one submission).

Conditions:
Duchenne muscular dystrophy (DMD). Also called: Duchenne Muscular Dystrophy (DMD); MUSCULAR DYSTROPHY, PSEUDOHYPERTROPHIC PROGRESSIVE, DUCHENNE TYPE. Identifiers: Orphanet 98896, MedGen C0013264, MONDO:0010679, OMIM 310200.

Submission:

Labcorp Genetics (formerly Invitae), Labcorp
Classification: Likely pathogenic for Duchenne muscular dystrophy. Last evaluated: 2019-05-24. Review status: criteria provided, single submitter. Criteria: Invitae Variant Classification Sherloc (09022015). Collection method: clinical testing. Allele origin: germline.
Comment: This variant results in a copy number gain of the genomic region encompassing exons 42-49 of the DMD gene. While the exact position of this variant cannot be determined from this data, sub-genic copy number gains are generally in tandem (PMID: 25640679). This variant would be expected to be in-frame, preserving the integrity of the reading frame. A similar copy number gain has not been reported in the literature in individuals with DMD-related conditions. Sub-genic duplication of exons 45-49 has been determined to be pathogenic (PMID: 19084397, 9800909, 17561468). Therefore, duplications that fully encompass that region are also expected to be pathogenic. In summary, the currently available evidence indicates that the variant is pathogenic, but additional data are needed to prove that conclusively. Therefore, this variant has been classified as Likely Pathogenic.

Literature cited by the submitters: PubMed 17561468; PubMed 9800909; PubMed 19084397.

NC_000023.11:g.(?_31836708)_(32310286_?)dup

Gene: DMD (dystrophin; minus strand). Cytogenetic location: Xp21.1.
Variant type: Duplication.
Identifiers: ClinVar variation 833478 (VCV000833478.1).